The following is an entry in ClinVar:

NM_001308093.3(GATA4):c.1003C>T (p.Pro335Ser)

Gene: GATA4 (GATA binding protein 4). Cytogenetic location: 8p23.1.
Variant type: single nucleotide variant.
Coding change: c.1003C>T on transcript NM_001308093.3 (MANE Select); coding-DNA position 1003, C replaced by T.
Protein change: p.Pro335Ser; replaces proline 335 with serine.
Molecular consequence: missense variant.
Genome position (GRCh38, 1-based): chr8:11,756,937, C>T. VCF-style: chr8-11756937-C-T. GRCh37 (hg19) VCF-style: chr8-11614446-C-T.
Other names: c.382C>T, p.Pro128Ser (NM_001308094.2, NM_001374273.1); c.256C>T, p.Pro86Ser (NM_001374274.1); c.1000C>T, p.Pro334Ser (NM_002052.5); short protein forms P334S, P335S, P128S, P86S.
Identifiers: ClinVar variation 568224 (VCV000568224.10), dbSNP rs1188397343, ClinGen allele CA370314725.

ClinVar aggregate classification (germline): Uncertain significance (1 of 4 stars; one submission).

Conditions:
Atrioventricular septal defect 4 (AVSD4). Identifiers: MedGen C3280781, MONDO:0013747, OMIM 614430.

Submission:

Labcorp Genetics (formerly Invitae), Labcorp
Classification: Uncertain significance for Atrioventricular septal defect 4. Last evaluated: 2019-06-20. Review status: criteria provided, single submitter. Criteria: Invitae Variant Classification Sherloc (09022015). Collection method: clinical testing. Allele origin: germline.
Comment: In summary, the available evidence is currently insufficient to determine the role of this variant in disease. Therefore, it has been classified as a Variant of Uncertain Significance. Algorithms developed to predict the effect of missense changes on protein structure and function output the following: SIFT: "Tolerated"; PolyPhen-2: "Benign"; Align-GVGD: "Class C0". The serine amino acid residue is found in multiple mammalian species, suggesting that this missense change does not adversely affect protein function. These predictions have not been confirmed by published functional studies and their clinical significance is uncertain. This variant has not been reported in the literature in individuals with GATA4-related disease. This variant is not present in population databases (ExAC no frequency). This sequence change replaces proline with serine at codon 334 of the GATA4 protein (p.Pro334Ser). The proline residue is moderately conserved and there is a moderate physicochemical difference between proline and serine.